The following is an entry in ClinVar:

ClinVar aggregate classification (germline): Uncertain significance (1 of 4 stars; one submission).

Conditions:
Aicardi-Goutieres syndrome 5. Identifiers: Orphanet 51, MedGen C2749659, MONDO:0013059, OMIM 612952.

Allele frequency attached by ClinVar (database versions not stated): gnomAD 0.00001.
gnomAD v4.1: 1 of 1,614,066 alleles (0.000062%); highest among the groups gnomAD compares: Non-Finnish European, 0.000085%; no homozygotes.

Submission:

Labcorp Genetics (formerly Invitae), Labcorp
Classification: Uncertain significance for Aicardi-Goutieres syndrome 5. Last evaluated: 2021-08-27. Review status: criteria provided, single submitter. Criteria: Invitae Variant Classification Sherloc (09022015). Collection method: clinical testing. Allele origin: germline.
Comment: In summary, the available evidence is currently insufficient to determine the role of this variant in disease. Therefore, it has been classified as a Variant of Uncertain Significance. Algorithms developed to predict the effect of missense changes on protein structure and function are either unavailable or do not agree on the potential impact of this missense change (SIFT: "Tolerated"; PolyPhen-2: "Possibly Damaging"; Align-GVGD: "Class C0"). This variant has not been reported in the literature in individuals affected with SAMHD1-related conditions. This variant is not present in population databases (ExAC no frequency). This sequence change replaces proline with arginine at codon 34 of the SAMHD1 protein (p.Pro34Arg). The proline residue is weakly conserved and there is a moderate physicochemical difference between proline and arginine.

NM_015474.4(SAMHD1):c.101C>G (p.Pro34Arg)

Gene: SAMHD1 (SAM and HD domain containing deoxynucleoside triphosphate triphosphohydrolase 1; minus strand). Cytogenetic location: 20q11.23.
Variant type: single nucleotide variant.
Coding change: c.101C>G on transcript NM_015474.4 (MANE Select); coding-DNA position 101, C replaced by G.
Protein change: p.Pro34Arg; replaces proline 34 with arginine.
Molecular consequence: missense variant.
Genome position (GRCh38, 1-based): chr20:36,951,543, G>C on the plus strand (C>G on the coding strand, the complement: SAMHD1 is on the minus strand). VCF-style: chr20-36951543-G-C. GRCh37 (hg19) VCF-style: chr20-35579946-G-C.
Other names: c.101C>G, p.Pro34Arg (NM_001363729.2, NM_001363733.2); short protein forms P34R.
Identifiers: ClinVar variation 1377872 (VCV001377872.6), dbSNP rs2063734567, ClinGen allele CA408832350.